The following is an entry in ClinVar:

ClinVar aggregate classification (germline): Uncertain significance (0 of 4 stars; one submission).

Conditions:
Neurodevelopmental disorder with language delay and behavioral abnormalities, with or without seizures (NEDLBAS). Identifiers: MedGen C5830365, MONDO:0859531, OMIM 620292.

Submission:

Clinical Genetics, Synlab MVZ Humangenetik Freiburg
Classification: Uncertain significance for Neurodevelopmental disorder with language delay and behavioral abnormalities, with or without seizures. Last evaluated: 2023-07-25. Review status: no assertion criteria provided. Collection method: clinical testing. Allele origin: germline. Inheritance: Autosomal dominant inheritance.
Comment: The AGO1-variant c.1376A>G, p.(Gln459Arg), is not described as pathogenic and ist not listed in control databases (dbSNP, gnomAD). In silico predictions assess the impact of the variant p.(Gln459Arg) as tolerated. We rate the AGO1-variant c.1376A>G, p.(Gln459Arg), uncertain signficance.

NM_012199.5(AGO1):c.1376A>G (p.Gln459Arg)

Gene: AGO1 (argonaute RISC component 1; plus strand). Cytogenetic location: 1p34.3.
Variant type: single nucleotide variant.
Coding change: c.1376A>G on transcript NM_012199.5 (MANE Select); coding-DNA position 1376, A replaced by G.
Protein change: p.Gln459Arg; replaces glutamine 459 with arginine.
Molecular consequence: missense variant.
Genome position (GRCh38, 1-based): chr1:35,902,316, A>G. VCF-style: chr1-35902316-A-G. GRCh37 (hg19) VCF-style: chr1-36367917-A-G.
Other names: c.1376A>G, p.Gln459Arg (NM_001317122.2); c.1151A>G, p.Gln384Arg (NM_001317123.2); short protein forms Q384R, Q459R.
Identifiers: ClinVar variation 2581132 (VCV002581132.1), dbSNP rs2523871264, ClinGen allele CA339378836.